The following is an entry in ClinVar:

NM_024426.6(WT1):c.118del (p.Asp40fs)

Genes: WT1 (WT1 transcription factor; minus strand), LOC107982234 (WT1/WT1-AS bi-directional promoter region; plus strand). Cytogenetic location: 11p13.
Variant type: Deletion.
Coding change: c.118del on transcript NM_024426.6 (MANE Select); coding-DNA position 118, one base deleted (G; older notation c.118delG).
Protein change: p.Asp40fs; shifts the reading frame from aspartic acid 40.
Molecular consequence: frameshift variant. On other transcripts: non-coding transcript variant (1).
Genome position (GRCh38, 1-based): chr11:32,435,243, C deleted on the plus strand (G on the coding strand, the reverse complement: WT1 is on the minus strand); the first of 3 consecutive C bases (chr11:32,435,243-32,435,245); deleting any one gives the same sequence. VCF-style (leftmost placement, unchanged base first): chr11-32435242-TC-T. GRCh37 (hg19) VCF-style: chr11-32456788-TC-T.
Other names: c.118del, p.Asp40fs (NM_000378.6, NM_024424.5); short protein forms D40fs.
Identifiers: ClinVar variation 1054064 (VCV001054064.9), dbSNP rs2133107122, ClinGen allele CA2499220932.

ClinVar aggregate classification (germline): Uncertain significance (1 of 4 stars; one submission).

Conditions:
Frasier syndrome. Identifiers: Orphanet 347, MedGen C0950122, MeSH D052159, MONDO:0007635, OMIM 136680.
Wilms tumor 1 (WT1). Also called: Wilms tumor, somatic. Identifiers: Orphanet 654, MedGen CN033288, MONDO:0008679, OMIM 194070.
11p partial monosomy syndrome (WAGR). Also called: WAGR Complex; CHROMOSOME 11p13 DELETION SYNDROME; WAGR syndrome; WAGR Spectrum Disorder. Identifiers: Orphanet 893, MedGen C0206115, MONDO:0008681, OMIM 194072.
Drash syndrome (DDS). Also called: NEPHROPATHY, WILMS TUMOR, AND GENITAL ANOMALIES; WILMS TUMOR AND PSEUDO- OR TRUE HERMAPHRODITISM. Identifiers: Orphanet 220, MedGen C0950121, MONDO:0008682, OMIM 194080.

Submission:

Labcorp Genetics (formerly Invitae), Labcorp
Classification: Uncertain significance for Wilms tumor 1; Drash syndrome; 11p partial monosomy syndrome; Frasier syndrome. Last evaluated: 2020-09-24. Review status: criteria provided, single submitter. Criteria: Invitae Variant Classification Sherloc (09022015). Collection method: clinical testing. Allele origin: germline.
Comment: Downstream of the non-canonical translation start site (CTG) at codon 1, the nearest methionine codon that can be used to initiate translation of the WT1 protein lies at codon 69. This downstream in-frame ATG is known as a major initiation site (PMID: 28811308, 16987884, 8621495). The functional significance of the different WT1 protein isoforms is unknown (PMID: 8621495), however mice lacking the N-terminal 68 amino acids develop normally and are fertile (PMID: 12640141). Based on these results, the impact of this variant on WT1 protein function is uncertain. In summary, the available evidence is currently insufficient to determine the role of this variant in disease. Therefore, it has been classified as a Variant of Uncertain Significance. This variant has not been reported in the literature in individuals with WT1-related conditions. The frequency data for this variant in the population databases is considered unreliable, as metrics indicate insufficient coverage at this position in the ExAC database. This sequence change creates a premature translational stop signal (p.Asp35Thrfs*9) in the WT gene. It is unclear whether it will result in an absent or disrupted protein product because a highly conserved, in-frame methionine located at codon 69 has the potential to rescue protein translation.

Literature cited by the submitters: PubMed 28811308; PubMed 16987884; PubMed 8621495; PubMed 12640141.